The following is an entry in ClinVar:

ClinVar aggregate classification (germline): Uncertain significance (1 of 4 stars; one submission).

Submission:

Labcorp Genetics (formerly Invitae), Labcorp
Classification: Uncertain significance. Last evaluated: 2025-10-15. Review status: criteria provided, single submitter. Criteria: Invitae Variant Classification Sherloc (09022015). Collection method: clinical testing. Allele origin: germline.
Comment: This sequence change replaces lysine, which is basic and polar, with methionine, which is neutral and non-polar, at codon 359 of the DUOX2 protein (p.Lys359Met). This variant is not present in population databases (gnomAD no frequency). This variant has not been reported in the literature in individuals affected with DUOX2-related conditions. Invitae Evidence Modeling of protein sequence and biophysical properties (such as structural, functional, and spatial information, amino acid conservation, physicochemical variation, residue mobility, and thermodynamic stability) indicates that this missense variant is not expected to disrupt DUOX2 protein function with a negative predictive value of 95%. In summary, the available evidence is currently insufficient to determine the role of this variant in disease. Therefore, it has been classified as a Variant of Uncertain Significance.

NM_001363711.2(DUOX2):c.1076A>T (p.Lys359Met)

Gene: DUOX2 (dual oxidase 2; minus strand). Cytogenetic location: 15q21.1.
Variant type: single nucleotide variant.
Coding change: c.1076A>T on transcript NM_001363711.2 (MANE Select); coding-DNA position 1076, A replaced by T.
Protein change: p.Lys359Met; replaces lysine 359 with methionine.
Molecular consequence: missense variant.
Genome position (GRCh38, 1-based): chr15:45,109,945, T>A on the plus strand (A>T on the coding strand, the complement: DUOX2 is on the minus strand). VCF-style: chr15-45109945-T-A. GRCh37 (hg19) VCF-style: chr15-45402143-T-A.
Other names: c.1076A>T, p.Lys359Met (NM_014080.5); short protein forms K359M.
Identifiers: ClinVar variation 4810125 (VCV004810125.1).